The following is an entry in ClinVar:

ClinVar aggregate classification (germline): Uncertain significance (1 of 4 stars; one submission).

Submission:

Ambry Genetics
Classification: Uncertain significance. Last evaluated: 2025-04-19. Review status: criteria provided, single submitter. Criteria: Ambry Variant Classification Scheme 2023. Collection method: clinical testing. Allele origin: germline.
Comment: The p.P80Q variant (also known as c.239C>A), located in coding exon 1 of the PALLD gene, results from a C to A substitution at nucleotide position 239. The proline at codon 80 is replaced by glutamine, an amino acid with similar properties. This amino acid position is conserved. In addition, this alteration is predicted to be tolerated by in silico analysis. Based on the available evidence, the clinical significance of this variant remains unclear.

NM_001166108.2(PALLD):c.1965-12792C>A

Gene: PALLD (palladin, cytoskeletal associated protein; plus strand). Cytogenetic location: 4q32.3.
Variant type: single nucleotide variant.
Coding change: c.1965-12792C>A on transcript NM_001166108.2 (MANE Select); 12792 bases into the intron before coding-DNA position 1965, C replaced by A.
Molecular consequence: intron variant. On other transcripts: missense variant (1).
Genome position (GRCh38, 1-based): chr4:168,878,130, C>A. VCF-style: chr4-168878130-C-A. GRCh37 (hg19) VCF-style: chr4-169799281-C-A.
Other names: c.239C>A, p.Pro80Gln (NM_001166110.2); c.1965-12792C>A (NM_016081.4); c.819-12792C>A (NM_001166109.2); c.-157-12792C>A (NM_001367570.1, NM_001367568.1, NM_001367567.1 and 1 more transcripts); short protein forms P80Q.
Identifiers: ClinVar variation 3927539 (VCV003927539.1).